The following is an entry in ClinVar:

ClinVar aggregate classification (germline): Pathogenic. Review status: criteria provided, multiple submitters, no conflicts (2 of 4 stars). 4 submissions from 4 submitters: Pathogenic (2). 2 of the submissions do not count toward it. Last evaluated 2026-01-25.

Conditions:
Jeune thoracic dystrophy. Also called: Jeune syndrome; Infantile thoracic dystrophy; Thoracic pelvic phalangeal dystrophy; Jeune's syndrome; Chondroectodermal dysplasia-like syndrome; Short-rib thoracic dysplasia. Identifiers: Orphanet 474, MedGen C0265275, MONDO:0018770.
Asphyxiating thoracic dystrophy 3. Also called: Saldino-Noonan Syndrome; SHORT-RIB THORACIC DYSPLASIA 3 WITH OR WITHOUT POLYDACTYLY; POLYDACTYLY WITH NEONATAL CHONDRODYSTROPHY, TYPE I; SHORT-RIB THORACIC DYSPLASIA 3/6 WITH POLYDACTYLY, DIGENIC; Short rib polydactyly syndrome 2B. Identifiers: Orphanet 474, Orphanet 93269, Orphanet 93270, Orphanet 93271, MedGen C0036069, MONDO:0013127, OMIM 613091.

Submissions (4):

Labcorp Genetics (formerly Invitae), Labcorp
Classification: Pathogenic for Jeune thoracic dystrophy. Last evaluated: 2026-01-25. Review status: criteria provided, single submitter. Criteria: Invitae Variant Classification Sherloc (09022015). Collection method: clinical testing. Allele origin: germline.
Comment: This sequence change creates a premature translational stop signal (p.Phe1486Leufs*11) in the DYNC2H1 gene. It is expected to result in an absent or disrupted protein product. Loss-of-function variants in DYNC2H1 are known to be pathogenic (PMID: 23339108, 32753734, 33755199). This variant is not present in population databases (gnomAD no frequency). This premature translational stop signal has been observed in individual(s) with asphyxiating thoracic dysplasia and/or short-rib polydactyly syndrome (PMID: 29068549, 31935347). ClinVar contains an entry for this variant (Variation ID: 446678). For these reasons, this variant has been classified as Pathogenic.

Myriad Genetics, Inc.
Classification: Pathogenic for Asphyxiating thoracic dystrophy 3. Last evaluated: 2025-03-19. Review status: criteria provided, single submitter. Criteria: Myriad Autosomal Dominant, Autosomal Recessive and X-Linked Classification Criteria (2023). Collection method: clinical testing. Allele origin: unknown.
Comment: NM_001377.2(DYNC2H1):c.4458delT(F1486Lfs*11) is a frameshift classified as pathogenic in the context of DYNC2H1-related disorders. F1486Lfs*11 has been observed in a case with relevant disease (PMID: 31935347). Relevant functional assessments of this variant are not available in the literature. F1486Lfs*11 has not been observed in referenced population frequency databases. In summary, NM_001377.2(DYNC2H1):c.4458delT(F1486Lfs*11) is a frameshift in a gene where loss of function is a known mechanism of disease, is predicted to disrupt protein function, and has been observed more frequently in cases with the relevant disease than in healthy populations. Please note: this variant was assessed in the context of healthy population screening.

Dan Cohn Lab, University Of California Los Angeles
Classification: Likely pathogenic for Asphyxiating thoracic dystrophy 3. Last evaluated: 2017-06-01. Review status: no assertion criteria provided. Collection method: research. Allele origin: unknown. Affected: yes. Not counted in ClinVar's aggregate classification.

University of Washington Center for Mendelian Genomics, University of Washington
Classification: Likely pathogenic for Asphyxiating thoracic dystrophy 3. Review status: no assertion criteria provided. Collection method: research. Allele origin: inherited. Affected: yes. Not counted in ClinVar's aggregate classification.

Literature cited by the submitters: PubMed 23339108 (cited by Labcorp Genetics (formerly Invitae), Labcorp); PubMed 32753734 (cited by Labcorp Genetics (formerly Invitae), Labcorp); PubMed 33755199 (cited by Labcorp Genetics (formerly Invitae), Labcorp); PubMed 29068549 (cited by 3 submitters); PubMed 31935347 (cited by Labcorp Genetics (formerly Invitae), Labcorp and Myriad Genetics, Inc.).

NM_001377.3(DYNC2H1):c.4458del (p.Phe1486fs)

Gene: DYNC2H1 (dynein cytoplasmic 2 heavy chain 1; plus strand). Cytogenetic location: 11q22.3.
Variant type: Deletion.
Coding change: c.4458del on transcript NM_001377.3 (MANE Select); coding-DNA position 4458, one base deleted (T; older notation c.4458delT).
Protein change: p.Phe1486fs; shifts the reading frame from phenylalanine 1486.
Molecular consequence: frameshift variant.
Genome position (GRCh38, 1-based): chr11:103,161,011, T deleted; the last of 4 consecutive T bases (chr11:103,161,008-103,161,011); deleting any one gives the same sequence. VCF-style (leftmost placement, unchanged base first): chr11-103161007-CT-C. GRCh37 (hg19) VCF-style: chr11-103031736-CT-C.
Other names: c.4458del, p.Phe1486fs (NM_001080463.2); short protein forms F1486fs.
Identifiers: ClinVar variation 446678 (VCV000446678.8), dbSNP rs1555052524, ClinGen allele CA658658100.